The following is an entry in ClinVar:

NM_001384140.1(PCDH15):c.998A>C (p.Asp333Ala)

Gene: PCDH15 (protocadherin related 15; minus strand). Cytogenetic location: 10q21.1.
Variant type: single nucleotide variant.
Coding change: c.998A>C on transcript NM_001384140.1 (MANE Select); coding-DNA position 998, A replaced by C.
Protein change: p.Asp333Ala; replaces aspartic acid 333 with alanine.
Molecular consequence: missense variant.
Genome position (GRCh38, 1-based): chr10:54,214,036, T>G on the plus strand (A>C on the coding strand, the complement: PCDH15 is on the minus strand). VCF-style: chr10-54214036-T-G. GRCh37 (hg19) VCF-style: chr10-55973796-T-G.
Other names: c.1013A>C, p.Asp338Ala (NM_001142763.2, NM_001142769.4, NM_001142771.2); c.998A>C, p.Asp333Ala (NM_001142764.2, NM_001142765.2, NM_001142766.2 and 7 more transcripts); c.887A>C, p.Asp296Ala (NM_001142767.2); c.932A>C, p.Asp311Ala (NM_001142768.2, NM_001142773.2, NM_001354404.2); short protein forms D296A, D311A, D333A, D338A.
Identifiers: ClinVar variation 1012147 (VCV001012147.8), dbSNP rs1294214109, ClinGen allele CA376523807.

ClinVar aggregate classification (germline): Uncertain significance (1 of 4 stars; one submission).

Submission:

Labcorp Genetics (formerly Invitae), Labcorp
Classification: Uncertain significance. Last evaluated: 2022-03-09. Review status: criteria provided, single submitter. Criteria: Invitae Variant Classification Sherloc (09022015). Collection method: clinical testing. Allele origin: germline.
Comment: In summary, the available evidence is currently insufficient to determine the role of this variant in disease. Therefore, it has been classified as a Variant of Uncertain Significance. Algorithms developed to predict the effect of missense changes on protein structure and function (SIFT, PolyPhen-2, Align-GVGD) all suggest that this variant is likely to be tolerated. ClinVar contains an entry for this variant (Variation ID: 1012147). This variant has not been reported in the literature in individuals affected with PCDH15-related conditions. This variant is not present in population databases (gnomAD no frequency). This sequence change replaces aspartic acid, which is acidic and polar, with alanine, which is neutral and non-polar, at codon 333 of the PCDH15 protein (p.Asp333Ala).